The following is an entry in ClinVar:

NM_001127511.3(APC):c.82G>C (p.Gly28Arg)

Gene: APC (APC regulator of Wnt signaling pathway; plus strand). Cytogenetic location: 5q22.2.
Variant type: single nucleotide variant.
Coding change: c.82G>C on transcript NM_001127511.3; coding-DNA position 82, G replaced by C.
Protein change: p.Gly28Arg; replaces glycine 28 with arginine.
Molecular consequence: missense variant. On other transcripts: 5 prime UTR variant (8), intron variant (5), non-coding transcript variant (1).
Genome position (GRCh38, 1-based): chr5:112,707,799, G>C. VCF-style: chr5-112707799-G-C. GRCh37 (hg19) VCF-style: chr5-112043496-G-C.
Other names: c.-102G>C (NM_001354895.2, NM_001407447.1, NM_001407452.1 and 3 more transcripts); c.82G>C, p.Gly28Arg (NM_001354897.2, NM_001354902.2, NM_001407446.1); c.-19+150G>C (NM_001407457.1, NM_001407458.1, NM_001407448.1 and 1 more transcripts); c.-43+150G>C (NM_001407453.1); c.-1137G>C (NM_001407470.1, NM_001407472.1); short protein forms G28R.
Identifiers: ClinVar variation 1019239 (VCV001019239.22), dbSNP rs1297745273, ClinGen allele CA360611903.

ClinVar aggregate classification (germline): Uncertain significance. Review status: criteria provided, multiple submitters, no conflicts (2 of 4 stars). 2 submissions from 2 submitters: Uncertain significance (2). Last evaluated 2025-11-27.

Conditions:
Familial adenomatous polyposis 1 (FAP1). Also called: FAMILIAL ADENOMATOUS POLYPOSIS 1, ATTENUATED; POLYPOSIS, ADENOMATOUS INTESTINAL. Identifiers: MedGen C2713442, MONDO:0021056, OMIM 175100. Disease mechanism: loss of function.

Allele frequency attached by ClinVar (database versions not stated): gnomAD below 0.00001 and 0.00001; TOPMed 0.00002.
gnomAD v4.1: 6 of 1,370,596 alleles (0.00044%); highest among the groups gnomAD compares: South Asian, 0.0061%; no homozygotes.

Submissions (2):

Labcorp Genetics (formerly Invitae), Labcorp
Classification: Uncertain significance for Familial adenomatous polyposis 1. Last evaluated: 2025-11-27. Review status: criteria provided, single submitter. Criteria: Invitae Variant Classification Sherloc (09022015). Collection method: clinical testing. Allele origin: germline.
Comment: This variant occurs in a non-coding region of the APC gene. It does not change the encoded amino acid sequence of the APC protein. This variant is present in population databases (no rsID available, gnomAD 0.02%). This variant has not been reported in the literature in individuals affected with APC-related conditions. Experimental studies and prediction algorithms are not available or were not evaluated, and the functional significance of this variant is currently unknown. In summary, the available evidence is currently insufficient to determine the role of this variant in disease. Therefore, it has been classified as a Variant of Uncertain Significance.

CeGaT Center for Human Genetics Tuebingen
Classification: Uncertain significance. Last evaluated: 2024-08-01. Review status: criteria provided, single submitter. Criteria: CeGaT Center For Human Genetics Tuebingen Variant Classification Criteria Version 2. Collection method: clinical testing. Allele origin: germline. Affected: yes. Observed: 1 variant allele.
Comment: APC: PP3